The following is an entry in ClinVar:

ClinVar aggregate classification (germline): Likely pathogenic. Review status: criteria provided, multiple submitters, no conflicts (2 of 4 stars). 2 submissions from 2 submitters: Likely pathogenic (2). Last evaluated 2025-11-17.

Conditions:
Dilated cardiomyopathy 1G (CMD1G). Identifiers: Orphanet 154, MedGen C1858763, MONDO:0011400, OMIM 604145.
Autosomal recessive limb-girdle muscular dystrophy type 2J (LGMDR10). Also called: Limb-girdle muscular dystrophy, type 2J; MUSCULAR DYSTROPHY, LIMB-GIRDLE, AUTOSOMAL RECESSIVE 10. Identifiers: Orphanet 140922, MedGen C1837342, MONDO:0012127, OMIM 608807.

Submissions (2):

Variantyx, Inc.
Classification: Likely pathogenic for Dilated cardiomyopathy 1G. Last evaluated: 2025-11-17. Review status: criteria provided, single submitter. Criteria: Variantyx Assertion Criteria 2022. Collection method: clinical testing. Allele origin: germline. Inheritance: Autosomal dominant inheritance. Affected: yes.
Comment: This is a nonsense variant in the TTN gene (OMIM: 188840). Pathogenic variants in this gene have been associated with autosomal dominant dilated cardiomyopathy 1G. This variant is located in the A-band region of titin and introduces a premature termination codon in exon 284 out of 363 .It is expected to result in loss of function, which is a known disease mechanism for TTN in this disorder (PMID: 27869827, 33226272) (PVS1). This variant is absent from control populations (PM2). Based on the current evidence, this variant is classified as likely pathogenic for autosomal dominant dilated cardiomyopathy 1G.

Labcorp Genetics (formerly Invitae), Labcorp
Classification: Likely pathogenic for Dilated cardiomyopathy 1G; Autosomal recessive limb-girdle muscular dystrophy type 2J. Last evaluated: 2025-09-22. Review status: criteria provided, single submitter. Criteria: Invitae Variant Classification Sherloc (09022015). Collection method: clinical testing. Allele origin: germline.
Comment: This sequence change creates a premature translational stop signal (p.Gln18385*) in the TTN gene. While this is not anticipated to result in nonsense mediated decay, it is expected to create a truncated TTN protein. This variant is not present in population databases (gnomAD no frequency). This premature translational stop signal has been observed in individual(s) with clinical features of TTN-related conditions (internal data). ClinVar contains an entry for this variant (Variation ID: 580120). This variant is located in the A band of TTN (PMID: 25589632). Truncating variants in this region are significantly overrepresented in patients affected with dilated cardiomyopathy (PMID: 25589632). Truncating variants in this region have also been reported in individuals affected with autosomal recessive centronuclear myopathy (PMID: 23975875). In summary, the currently available evidence indicates that the variant is pathogenic, but additional data are needed to prove that conclusively. Therefore, this variant has been classified as Likely Pathogenic.

Literature cited by the submitters: PubMed 27869827 (cited by Variantyx, Inc.); PubMed 33226272 (cited by Variantyx, Inc.); PubMed 25589632 (cited by Labcorp Genetics (formerly Invitae), Labcorp); PubMed 23975875 (cited by Labcorp Genetics (formerly Invitae), Labcorp).

NM_001267550.2(TTN):c.55153C>T (p.Gln18385Ter)

Genes: TTN (titin; minus strand), TTN-AS1 (TTN antisense RNA 1; plus strand). Cytogenetic location: 2q31.2.
Variant type: single nucleotide variant.
Coding change: c.55153C>T on transcript NM_001267550.2 (MANE Select); coding-DNA position 55153, C replaced by T.
Protein change: p.Gln18385Ter; replaces glutamine 18385 with a stop codon.
Molecular consequence: nonsense.
Genome position (GRCh38, 1-based): chr2:178,602,118, G>A on the plus strand (C>T on the coding strand, the complement: TTN is on the minus strand). VCF-style: chr2-178602118-G-A. GRCh37 (hg19) VCF-style: chr2-179466845-G-A.
Other names: c.50230C>T, p.Gln16744Ter (NM_001256850.1); c.27958C>T, p.Gln9320Ter (NM_003319.4); c.47449C>T, p.Gln15817Ter (NM_133378.4); c.28333C>T, p.Gln9445Ter (NM_133432.3); c.28534C>T, p.Gln9512Ter (NM_133437.4); short protein forms Q18385*, Q9512*, Q9445*, Q16744*, Q9320*, Q15817*.
Identifiers: ClinVar variation 580120 (VCV000580120.10), dbSNP rs1559696193, ClinGen allele CA349544197.